The following is an entry in ClinVar:

ClinVar aggregate classification (germline): Uncertain significance (1 of 4 stars; one submission).

gnomAD v4.1: 1 of 1,599,996 alleles (0.000063%); no homozygotes.

Submission:

Labcorp Genetics (formerly Invitae), Labcorp
Classification: Uncertain significance. Last evaluated: 2022-07-17. Review status: criteria provided, single submitter. Criteria: Invitae Variant Classification Sherloc (09022015). Collection method: clinical testing. Allele origin: germline.
Comment: This variant is not present in population databases (gnomAD no frequency). This sequence change replaces aspartic acid, which is acidic and polar, with asparagine, which is neutral and polar, at codon 1885 of the OBSL1 protein (p.Asp1885Asn). This variant has not been reported in the literature in individuals affected with OBSL1-related conditions. Algorithms developed to predict the effect of missense changes on protein structure and function are either unavailable or do not agree on the potential impact of this missense change (SIFT: "Tolerated"; PolyPhen-2: "Possibly Damaging"; Align-GVGD: "Class C0"). In summary, the available evidence is currently insufficient to determine the role of this variant in disease. Therefore, it has been classified as a Variant of Uncertain Significance.

NM_015311.3(OBSL1):c.5653G>A (p.Asp1885Asn)

Gene: OBSL1 (obscurin like cytoskeletal adaptor 1; minus strand). Cytogenetic location: 2q35.
Variant type: single nucleotide variant.
Coding change: c.5653G>A on transcript NM_015311.3 (MANE Select); coding-DNA position 5653, G replaced by A.
Protein change: p.Asp1885Asn; replaces aspartic acid 1885 with asparagine.
Molecular consequence: missense variant.
Genome position (GRCh38, 1-based): chr2:219,551,559, C>T on the plus strand (G>A on the coding strand, the complement: OBSL1 is on the minus strand). VCF-style: chr2-219551559-C-T. GRCh37 (hg19) VCF-style: chr2-220416281-C-T.
Other names: short protein forms D1885N.
Identifiers: ClinVar variation 2113098 (VCV002113098.3), dbSNP rs747903787, ClinGen allele CA66021637.